The following is an entry in ClinVar:

ClinVar aggregate classification (germline): Benign. Review status: criteria provided, multiple submitters, no conflicts (2 of 4 stars). 2 submissions from 2 submitters: Benign (2). Last evaluated 2018-06-14.

Allele frequency attached by ClinVar (database versions not stated): gnomAD 0.02067 and 0.01924; TOPMed 0.02087; 1000 Genomes Project 0.02177; 1000 Genomes Project 30x 0.02374.
gnomAD v4.1: 5,773 of 1,565,170 alleles (0.37%); highest among the groups gnomAD compares: African/African-American, 6.5%; 162 homozygotes.

Submissions (2):

GeneDx
Classification: Benign. Last evaluated: 2018-06-14. Review status: criteria provided, single submitter. Criteria: GeneDx Variant Classification (06012015). Collection method: clinical testing. Allele origin: germline. Affected: yes.
Comment: This variant is considered likely benign or benign based on one or more of the following criteria: it is a conservative change, it occurs at a poorly conserved position in the protein, it is predicted to be benign by multiple in silico algorithms, and/or has population frequency not consistent with disease.

Breakthrough Genomics
Classification: Benign. Review status: criteria provided, single submitter. Criteria: ACMG Guidelines, 2015. Collection method: not provided. Allele origin: germline. Inheritance: Autosomal recessive inheritance. Affected: yes.

NM_206926.2(SELENON):c.908+76G>A

Gene: SELENON (selenoprotein N; plus strand). Cytogenetic location: 1p36.11.
Variant type: single nucleotide variant.
Coding change: c.908+76G>A on transcript NM_206926.2 (MANE Select); 76 bases into the intron after coding-DNA position 908, G replaced by A.
Molecular consequence: intron variant.
Genome position (GRCh38, 1-based): chr1:25,809,896, G>A. VCF-style: chr1-25809896-G-A. GRCh37 (hg19) VCF-style: chr1-26136387-G-A.
Other names: c.1010+76G>A (NM_020451.3).
Identifiers: ClinVar variation 678968 (VCV000678968.2), dbSNP rs190134128, ClinGen allele CA19698590.
Genomic context (GRCh38, chr1:25,809,896, plus strand): 5'-TGGCCCAGCCTTGGCTCCCTCCTACAGCTTGTCCTGCTCCCCAGCTCCAGGAGCCTAGGG[G>A]CCTCTTCTGTCTCTGCCCCTTCCTTTGCTCCCCAGAGCCCATCTCATGGGGCTGACGTGG-3'